The following is an entry in ClinVar:

NM_000726.5(CACNB4):c.*737C>T

Gene: CACNB4 (calcium voltage-gated channel auxiliary subunit beta 4; minus strand). Cytogenetic location: 2q23.3.
Variant type: single nucleotide variant.
Coding change: c.*737C>T on transcript NM_000726.5 (MANE Select); 737 bases downstream of the stop codon, C replaced by T.
Molecular consequence: 3 prime UTR variant.
Genome position (GRCh38, 1-based): chr2:151,838,382, G>A on the plus strand (C>T on the coding strand, the complement: CACNB4 is on the minus strand). VCF-style: chr2-151838382-G-A. GRCh37 (hg19) VCF-style: chr2-152694896-G-A.
Other names: c.*737C>T (NM_001330115.2, NM_001330116.2, NM_001330117.2 and 7 more transcripts).
Identifiers: ClinVar variation 331618 (VCV000331618.33), dbSNP rs558590558, ClinGen allele CA10611413.
Genomic context (GRCh38, chr2:151,838,382, plus strand): 5'-AAAAATTTGAGGTTTTTTGCTTGTTTGTATTTGTTTTTGCCAACTTCAAATGAGCTAACA[G>A]TACTGACCAAACAAAAAGCAAAACACTTTGAATACAACAGCTGTGCCAGGAAAGAAATAA-3'

ClinVar aggregate classification (germline): Conflicting classifications of pathogenicity. Review status: criteria provided, conflicting classifications (1 of 4 stars). 2 submissions from 2 submitters: Uncertain significance (1); Benign (1). Last evaluated 2023-05-01.

Conditions:
Episodic ataxia type 5. Identifiers: Orphanet 211067, MedGen C1866039, MONDO:0013464, OMIM 613855.

Allele frequency attached by ClinVar (database versions not stated): 1000 Genomes Project 30x 0.00031; TOPMed 0.00091; gnomAD 0.00092 and 0.00096.

Submissions (2):

CeGaT Center for Human Genetics Tuebingen
Classification: Benign. Last evaluated: 2023-05-01. Review status: criteria provided, single submitter. Criteria: CeGaT Center For Human Genetics Tuebingen Variant Classification Criteria Version 2. Collection method: clinical testing. Allele origin: germline. Affected: yes. Observed: 2 variant alleles.
Comment: CACNB4: BS1, BS2

Illumina Laboratory Services, Illumina
Classification: Uncertain significance for Episodic ataxia type 5. Last evaluated: 2018-01-13. Review status: criteria provided, single submitter. Criteria: ICSL Variant Classification Criteria 13 December 2019. Collection method: clinical testing. Allele origin: germline.